The following is an entry in ClinVar:

GRCh38/hg38 16p13.3(chr16:175159-183657)x1

Genes: HBQ1 (hemoglobin subunit theta 1; plus strand), HBA1 (hemoglobin subunit alpha 1; plus strand), LOC106804613 (hemoglobin subunit alpha 1 recombination region; plus strand), LOC130058090 (ATAC-STARR-seq lymphoblastoid active region 10202; plus strand), LOC130058091 (ATAC-STARR-seq lymphoblastoid silent region 6903; plus strand). Cytogenetic location: 16p13.3.
Variant type: copy number loss.
Change: copy number 1 (one copy instead of two) of chr16:175,159-183,657 (8.5 kb, GRCh38 coordinates, 1-based), cytogenetic band 16p13.3.
Identifiers: ClinVar variation 4875556 (VCV004875556.1).

ClinVar aggregate classification (germline): Pathogenic (1 of 4 stars; one submission).

Conditions:
alpha Thalassemia. Also called: Alpha thalassemia spectrum. Identifiers: Orphanet 846, MedGen C0002312, MONDO:0011399, OMIM 604131.

Submission:

Eugenics and Genetics Department, Guangxi Zhuang Autonomous Region Reproductive Hospital
Classification: Pathogenic for alpha Thalassemia. Last evaluated: 2026-06-08. Review status: criteria provided, single submitter. Criteria: ACMG/ClinGen CNV Guidelines, 2019. Collection method: clinical testing. Allele origin: germline. Inheritance: Autosomal recessive inheritance. Affected: yes. Observed: 1 variant allele, 1 heterozygote.
Comment: This 8.498 kb heterozygous deletion (chr16:175,159-183,657, GRCh38) completely removes both HBA1 and HBA2 in cis and is classified as pathogenic per ACMG/ClinGen 2020 constitutional CNV standards .Evidence: PVS1_Strong (loss-of-function of HBA1 and HBA2 is an established mechanism of alpha-thalassemia, but heterozygous phenotypic severity is variable, hence PVS1_Strong rather than PVS1); PM2_Supporting (this exact breakpoint interval is absent from gnomAD-SV, DGV, ClinVar, and dbVar; search date October 2024); PP4 (patient's microcytic hypochromic red cell changes with normal hemoglobin level is highly specific for heterozygous alpha-globin large-fragment deletion; genotype-phenotype correlation well established per Harteveld and Higgs, Orphanet J Rare Dis 2010;5:13; PMID 20507641). The deletion was identified by third-generation sequencing (PacBio SMRT, 100x mean coverage; Berry Genomics, Beijing; report 24MED07208) and confirmed by Gap-PCR (295 bp amplicon with custom primers) and bidirectional Sanger sequencing. Parental samples were unavailable for segregation analysis, hence the de novo versus inherited origin is undetermined.

Literature cited by the submitters: PubMed 20507641.